The following is an entry in ClinVar:

NM_007255.3(B4GALT7):c.511G>C (p.Glu171Gln)

Gene: B4GALT7 (beta-1,4-galactosyltransferase 7; plus strand). Cytogenetic location: 5q35.3.
Variant type: single nucleotide variant.
Coding change: c.511G>C on transcript NM_007255.3 (MANE Select); coding-DNA position 511, G replaced by C.
Protein change: p.Glu171Gln; replaces glutamic acid 171 with glutamine.
Molecular consequence: missense variant.
Genome position (GRCh38, 1-based): chr5:177,607,399, G>C. VCF-style: chr5-177607399-G-C. GRCh37 (hg19) VCF-style: chr5-177034400-G-C.
Other names: short protein forms E171Q.
Identifiers: ClinVar variation 3902619 (VCV003902619.1).

ClinVar aggregate classification (germline): Uncertain significance (1 of 4 stars; one submission).

Submission:

Women's Health and Genetics/Laboratory Corporation of America, LabCorp
Classification: Uncertain significance. Last evaluated: 2025-05-28. Review status: criteria provided, single submitter. Criteria: LabCorp Variant Classification Summary - May 2015. Collection method: clinical testing. Allele origin: germline.
Comment: Variant summary: B4GALT7 c.511G>C (p.Glu171Gln) results in a conservative amino acid change in the encoded protein sequence. Algorithms developed to predict the effect of missense changes on protein structure and function are either unavailable or do not agree on the potential impact of this missense change. The variant allele was found at a frequency of 4e-06 in 251324 control chromosomes. The available data on variant occurrences in the general population are insufficient to allow any conclusion about variant significance. To our knowledge, no occurrence of c.511G>C in individuals affected with Spondylodysplastic Ehlers-Danlos syndrome and no experimental evidence demonstrating its impact on protein function have been reported. No submitters have cited clinical-significance assessments for this variant to ClinVar. Based on the evidence outlined above, the variant was classified as uncertain significance.